The following is an entry in ClinVar:

NM_194454.3(KRIT1):c.1543C>T (p.Pro515Ser)

Gene: KRIT1 (KRIT1 ankyrin repeat containing; minus strand). Cytogenetic location: 7q21.2.
Variant type: single nucleotide variant.
Coding change: c.1543C>T on transcript NM_194454.3 (MANE Select); coding-DNA position 1543, C replaced by T.
Protein change: p.Pro515Ser; replaces proline 515 with serine.
Molecular consequence: missense variant.
Genome position (GRCh38, 1-based): chr7:92,221,922, G>A on the plus strand (C>T on the coding strand, the complement: KRIT1 is on the minus strand). VCF-style: chr7-92221922-G-A. GRCh37 (hg19) VCF-style: chr7-91851236-G-A.
Other names: c.1543C>T, p.Pro515Ser (NM_001350678.1, NM_001350679.1, NM_001350680.1 and 26 more transcripts); c.1399C>T, p.Pro467Ser (NM_001013406.2, NM_001350669.1, NM_001350670.1); c.829C>T, p.Pro277Ser (NM_001350671.1); short protein forms P277S, P515S, P467S.
Identifiers: ClinVar variation 3670815 (VCV003670815.2).

ClinVar aggregate classification (germline): Uncertain significance (1 of 4 stars; one submission).

Conditions:
Cerebral cavernous malformation (CCM). Also called: CAVERNOUS ANGIOMA, FAMILIAL; CAVERNOUS ANGIOMATOUS MALFORMATIONS; CEREBRAL CAPILLARY MALFORMATIONS; Cavernous Hemangioma of Brain; Cerebral cavernous hemangioma (type); Cerebral cavernous malformations. Identifiers: Orphanet 221061, MedGen C2919945, MONDO:0000820, OMIM 116860, HP:0033522.

gnomAD v4.1: 2 of 1,613,792 alleles (0.00012%); highest among the groups gnomAD compares: Non-Finnish European, 0.00017%; no homozygotes.

Submission:

Labcorp Genetics (formerly Invitae), Labcorp
Classification: Uncertain significance for Cerebral cavernous malformation. Last evaluated: 2024-10-25. Review status: criteria provided, single submitter. Criteria: Invitae Variant Classification Sherloc (09022015). Collection method: clinical testing. Allele origin: germline.
Comment: This sequence change replaces proline, which is neutral and non-polar, with serine, which is neutral and polar, at codon 515 of the KRIT1 protein (p.Pro515Ser). This variant is not present in population databases (gnomAD no frequency). This variant has not been reported in the literature in individuals affected with KRIT1-related conditions. Invitae Evidence Modeling of protein sequence and biophysical properties (such as structural, functional, and spatial information, amino acid conservation, physicochemical variation, residue mobility, and thermodynamic stability) indicates that this missense variant is not expected to disrupt KRIT1 protein function with a negative predictive value of 80%. In summary, the available evidence is currently insufficient to determine the role of this variant in disease. Therefore, it has been classified as a Variant of Uncertain Significance.